The following is an entry in ClinVar:

ClinVar aggregate classification (germline): Uncertain significance (1 of 4 stars; one submission).

Conditions:
Familial adenomatous polyposis 1 (FAP1). Also called: FAMILIAL ADENOMATOUS POLYPOSIS 1, ATTENUATED; POLYPOSIS, ADENOMATOUS INTESTINAL. Identifiers: MedGen C2713442, MONDO:0021056, OMIM 175100. Disease mechanism: loss of function.

Submission:

Labcorp Genetics (formerly Invitae), Labcorp
Classification: Uncertain significance for Familial adenomatous polyposis 1. Last evaluated: 2023-09-19. Review status: criteria provided, single submitter. Criteria: Invitae Variant Classification Sherloc (09022015). Collection method: clinical testing. Allele origin: germline.
Comment: In summary, the available evidence is currently insufficient to determine the role of this variant in disease. Therefore, it has been classified as a Variant of Uncertain Significance. Experimental studies and prediction algorithms are not available or were not evaluated, and the functional significance of this variant is currently unknown. This variant has not been reported in the literature in individuals affected with APC-related conditions. This variant is not present in population databases (gnomAD no frequency). This variant occurs in a non-coding region of the APC gene. It does not change the encoded amino acid sequence of the APC protein.

NM_001127511.3(APC):c.-85C>T

Gene: APC (APC regulator of Wnt signaling pathway; plus strand). Cytogenetic location: 5q22.2.
Variant type: single nucleotide variant.
Coding change: c.-85C>T on transcript NM_001127511.3; 85 bases upstream of the start codon, C replaced by T.
Molecular consequence: 5 prime UTR variant. On other transcripts: non-coding transcript variant (2).
Genome position (GRCh38, 1-based): chr5:112,707,633, C>T. VCF-style: chr5-112707633-C-T. GRCh37 (hg19) VCF-style: chr5-112043330-C-T.
Other names: c.-268C>T (NM_001354895.2, NM_001407447.1, NM_001407452.1 and 3 more transcripts); c.-85C>T (NM_001354897.2, NM_001354902.2, NM_001407446.1); c.-35C>T (NM_001407448.1, NM_001407450.1, NM_001407457.1 and 1 more transcripts); c.-59C>T (NM_001407453.1); c.-1303C>T (NM_001407470.1, NM_001407472.1).
Identifiers: ClinVar variation 1018387 (VCV001018387.7), dbSNP rs1750590870, ClinGen allele CA1573442565.
Genomic context (GRCh38, chr5:112,707,633, plus strand): 5'-CTAGCCGCTGCTCGGGGGGGACCTGCGGGCTCAGGCCCGGGAGCTGCGGACCGAGGTTGG[C>T]TCGATGCTGTTCCCAGGTACTGTTGTTGGCTGTTGGTGAGGAAGGTGAAGCACTCAGTTG-3'